The following is an entry in ClinVar:

ClinVar aggregate classification (germline): Uncertain significance. Review status: criteria provided, single submitter (1 of 4 stars). 2 submissions from 2 submitters: Uncertain significance (1). 1 of the submissions does not count toward it. Last evaluated 2025-05-01.

Conditions:
Hereditary cancer-predisposing syndrome. Also called: Tumor predisposition; Hereditary neoplastic syndrome; Hereditary Cancer Syndrome; Neoplastic Syndromes, Hereditary. Identifiers: Orphanet 140162, MedGen C0027672, MeSH D009386, MONDO:0015356.

gnomAD v4.1: 1 of 1,614,246 alleles (0.000062%); highest among the groups gnomAD compares: Non-Finnish European, 0.000085%; no homozygotes.

Submissions (2):

Ambry Genetics
Classification: Uncertain significance for Hereditary cancer-predisposing syndrome. Last evaluated: 2025-05-01. Review status: criteria provided, single submitter. Criteria: Ambry Variant Classification Scheme 2023. Collection method: clinical testing. Allele origin: germline.
Comment: The p.E1630G variant (also known as c.4889A>G), located in coding exon 14 of the BRCA1 gene, results from an A to G substitution at nucleotide position 4889. The glutamic acid at codon 1630 is replaced by glycine, an amino acid with similar properties. This amino acid position is not well conserved in available vertebrate species. In addition, the in silico prediction for this alteration is inconclusive. Based on the available evidence, the clinical significance of this variant remains unclear.

Department of Pathology and Laboratory Medicine, Sinai Health System
Classification: Uncertain significance. Review status: no assertion criteria provided. Collection method: clinical testing. Allele origin: unknown. Affected: yes. Study: The Canadian Open Genetics Repository (COGR). Not counted in ClinVar's aggregate classification.
Comment: The BRCA1 p.Glu1630Gly variant was not identified in the literature nor was it identified in the following databases: dbSNP, ClinVar, LOVD 3.0, UMD-LSDB, the Exome Aggregation Consortium (August 8th 2016) or the Genome Aggregation Database (Feb 27, 2017). The p.Glu1630 residue is not conserved in mammals and 5 of 5 computational analyses (PolyPhen-2, SIFT, AlignGVGD, BLOSUM, MutationTaster) do not suggest a high likelihood of impact to the protein; however, this information is not predictive enough to rule out pathogenicity. The variant occurs outside of the splicing consensus sequence and in silico or computational prediction software programs (SpliceSiteFinder, MaxEntScan, NNSPLICE, GeneSplicer) do not predict a difference in splicing. In summary, based on the above information, the clinical significance of this variant cannot be determined with certainty at this time. This variant is classified as a variant of uncertain significance.

NM_007294.4(BRCA1):c.4889A>G (p.Glu1630Gly)

Gene: BRCA1 (BRCA1 DNA repair associated; minus strand). Cytogenetic location: 17q21.31.
Variant type: single nucleotide variant.
Coding change: c.4889A>G on transcript NM_007294.4 (MANE Select); coding-DNA position 4889, A replaced by G.
Protein change: p.Glu1630Gly; replaces glutamic acid 1630 with glycine.
Molecular consequence: missense variant. On other transcripts: non-coding transcript variant (1).
Genome position (GRCh38, 1-based): chr17:43,071,025, T>C on the plus strand (A>G on the coding strand, the complement: BRCA1 is on the minus strand). VCF-style: chr17-43071025-T-C. GRCh37 (hg19) VCF-style: chr17-41223042-T-C.
Other names: c.4742A>G, p.Glu1581Gly (NM_001407848.1, NM_001407849.1, NM_001407852.1 and 12 more transcripts); c.4811A>G, p.Glu1604Gly (NM_001407653.1, NM_001407654.1, NM_001407655.1); c.4808A>G, p.Glu1603Gly (NM_001407656.1, NM_001407657.1, NM_001407658.1); c.4886A>G, p.Glu1629Gly (NM_001407858.1, NM_001407859.1, NM_001407860.1 and 17 more transcripts); c.4805A>G, p.Glu1602Gly (NM_001407659.1, NM_001407660.1, NM_001407661.1 and 2 more transcripts); c.4889A>G, p.Glu1630Gly (NM_001407854.1, NM_001407684.1, NM_001407593.1 and 8 more transcripts); c.4760A>G, p.Glu1587Gly (NM_001407681.1, NM_001407682.1, NM_001407683.1 and 6 more transcripts); c.4757A>G, p.Glu1586Gly (NM_001407690.1, NM_001407691.1); and 70 more; short protein forms E1583G, E1630G, E1651G, E526G, E1333G, E1334G, E1461G, E1476G.
Identifiers: ClinVar variation 1050408 (VCV001050408.3), dbSNP rs2153824237, ClinGen allele CA10591747.